The following is an entry in ClinVar:

ClinVar aggregate classification (germline): Likely benign. Review status: criteria provided, multiple submitters, no conflicts (2 of 4 stars). 3 submissions from 3 submitters: Likely benign (3). Last evaluated 2024-12-08.

Conditions:
Hereditary cancer-predisposing syndrome. Also called: Hereditary neoplastic syndrome; Neoplastic Syndromes, Hereditary; Tumor predisposition; Hereditary Cancer Syndrome. Identifiers: Orphanet 140162, MedGen C0027672, MeSH D009386, MONDO:0015356.
Neurofibromatosis, type 1 (NF1). Also called: VON RECKLINGHAUSEN DISEASE; Peripheral type neurofibromatosis; NEUROFIBROMATOSIS, TYPE I, SOMATIC; Neurofibromatosis, type I. Identifiers: Orphanet 636, MedGen C0027831, MONDO:0018975, OMIM 162200. Disease mechanism: loss of function.

Allele frequency attached by ClinVar (database versions not stated): gnomAD exomes below 0.00001.
gnomAD v4.1: 2 of 1,614,000 alleles (0.00012%); highest among the groups gnomAD compares: Non-Finnish European, 0.00017%; no homozygotes.

Submissions (3):

Labcorp Genetics (formerly Invitae), Labcorp
Classification: Likely benign for Neurofibromatosis, type 1. Last evaluated: 2024-12-08. Review status: criteria provided, single submitter. Criteria: Invitae Variant Classification Sherloc (09022015). Collection method: clinical testing. Allele origin: germline.

Genome-Nilou Lab
Classification: Likely benign for Neurofibromatosis, type 1. Last evaluated: 2022-03-15. Review status: criteria provided, single submitter. Criteria: ACMG Guidelines, 2015. Collection method: clinical testing. Allele origin: germline. Affected: no.

Ambry Genetics
Classification: Likely benign for Hereditary cancer-predisposing syndrome. Last evaluated: 2016-02-23. Review status: criteria provided, single submitter. Criteria: Ambry Autosomal Dominant and X-Linked criteria (10/2015). Collection method: clinical testing. Allele origin: germline. Observed: 1 variant allele.
Comment: Synonymous alterations with insufficient evidence to classify as benign

NM_001042492.3(NF1):c.5631G>A (p.Leu1877=)

Gene: NF1 (neurofibromin 1; plus strand). Cytogenetic location: 17q11.2.
Variant type: single nucleotide variant.
Coding change: c.5631G>A on transcript NM_001042492.3 (MANE Select); coding-DNA position 5631, G replaced by A.
Protein change: p.Leu1877=; no amino-acid change (leucine 1877 retained).
Molecular consequence: synonymous variant.
Genome position (GRCh38, 1-based): chr17:31,330,317, G>A. VCF-style: chr17-31330317-G-A. GRCh37 (hg19) VCF-style: chr17-29657335-G-A.
Other names: c.5568G>A, p.Leu1856= (NM_000267.4).
Identifiers: ClinVar variation 484007 (VCV000484007.10), dbSNP rs1555533844, ClinGen allele CA499233371.